The following is an entry in ClinVar:

ClinVar aggregate classification (germline): Uncertain significance (1 of 4 stars; one submission).

gnomAD v4.1: 7 of 1,613,996 alleles (0.00043%); highest among the groups gnomAD compares: South Asian, 0.0011%; no homozygotes.

Submission:

Labcorp Genetics (formerly Invitae), Labcorp
Classification: Uncertain significance. Last evaluated: 2025-08-12. Review status: criteria provided, single submitter. Criteria: Invitae Variant Classification Sherloc (09022015). Collection method: clinical testing. Allele origin: germline.
Comment: This sequence change replaces glutamic acid, which is acidic and polar, with lysine, which is basic and polar, at codon 341 of the WHRN protein (p.Glu341Lys). This variant is present in population databases (rs373250248, gnomAD 0.02%). This variant has not been reported in the literature in individuals affected with WHRN-related conditions. An algorithm developed to predict the effect of missense changes on protein structure and function (PolyPhen-2) suggests that this variant is likely to be disruptive. In summary, the available evidence is currently insufficient to determine the role of this variant in disease. Therefore, it has been classified as a Variant of Uncertain Significance.

NM_015404.4(WHRN):c.1021G>A (p.Glu341Lys)

Gene: WHRN (whirlin; minus strand). Cytogenetic location: 9q32.
Variant type: single nucleotide variant.
Coding change: c.1021G>A on transcript NM_015404.4 (MANE Select); coding-DNA position 1021, G replaced by A.
Protein change: p.Glu341Lys; replaces glutamic acid 341 with lysine.
Molecular consequence: missense variant. On other transcripts: 5 prime UTR variant (1).
Genome position (GRCh38, 1-based): chr9:114,426,356, C>T on the plus strand (G>A on the coding strand, the complement: WHRN is on the minus strand). VCF-style: chr9-114426356-C-T. GRCh37 (hg19) VCF-style: chr9-117188636-C-T.
Other names: c.-129G>A (NM_001083885.3); c.1021G>A, p.Glu341Lys (NM_001173425.2); short protein forms E341K.
Identifiers: ClinVar variation 4762809 (VCV004762809.1).